The following is an entry in ClinVar:

NM_001401501.2(MUC16):c.39325-7T>C

Gene: MUC16 (mucin 16, cell surface associated; minus strand). Cytogenetic location: 19p13.2.
Variant type: single nucleotide variant.
Coding change: c.39325-7T>C on transcript NM_001401501.2 (MANE Select); 7 bases into the intron before coding-DNA position 39325, T replaced by C.
Molecular consequence: intron variant.
Genome position (GRCh38, 1-based): chr19:8,898,665, A>G on the plus strand (T>C on the coding strand, the complement: MUC16 is on the minus strand). VCF-style: chr19-8898665-A-G. GRCh37 (hg19) VCF-style: chr19-9009341-A-G.
Other names: c.39751-7T>C (NM_001414686.1); c.39205-7T>C (NM_001414687.1); c.39139-7T>C (NM_024690.2).
Identifiers: ClinVar variation 3037936 (VCV003037936.2), dbSNP rs80170349, ClinGen allele CA9164177.
Genomic context (GRCh38, chr19:8,898,665, plus strand): 5'-TCTGCAGCCAGAGTACAGAGGGCCGACACTGGAGTTCTTGAACAAGGGACCAAGCTGTGG[A>G]AAAGGGACAGAGAGATGAGTAGGAGGGCTAAGGTCCCTGTGTGTGGGTGCAGAAATAAGG-3'

ClinVar aggregate classification (germline): Benign (0 of 4 stars; one submission).

Conditions:
MUC16-related disorder. Also called: MUC16-related condition.

Allele frequency attached by ClinVar (database versions not stated): 1000 Genomes Project 30x 0.41380.

Submission:

PreventionGenetics, part of Exact Sciences
Classification: Benign for MUC16-related condition. Last evaluated: 2019-02-19. Review status: no assertion criteria provided. Collection method: clinical testing. Allele origin: germline.
Comment: This variant is classified as benign based on ACMG/AMP sequence variant interpretation guidelines (Richards et al. 2015 PMID: 25741868, with internal and published modifications).